The following is an entry in ClinVar:

ClinVar aggregate classification (germline): Uncertain significance (1 of 4 stars; one submission).

Conditions:
Inborn genetic diseases. Identifiers: MedGen C0950123, MeSH D030342.

Submission:

Ambry Genetics
Classification: Uncertain significance for Inborn genetic diseases. Last evaluated: 2025-09-25. Review status: criteria provided, single submitter. Criteria: Ambry Variant Classification Scheme 2023. Collection method: clinical testing. Allele origin: germline.
Comment: The p.L50R variant (also known as c.149T>G), located in coding exon 2 of the CEP57 gene, results from a T to G substitution at nucleotide position 149. The leucine at codon 50 is replaced by arginine, an amino acid with dissimilar properties. This amino acid position is conserved. In addition, this alteration is predicted to be tolerated by in silico analysis. Based on the available evidence, the clinical significance of this variant remains unclear.

NM_014679.5(CEP57):c.149T>G (p.Leu50Arg)

Gene: CEP57 (centrosomal protein 57; plus strand). Cytogenetic location: 11q21.
Variant type: single nucleotide variant.
Coding change: c.149T>G on transcript NM_014679.5 (MANE Select); coding-DNA position 149, T replaced by G.
Protein change: p.Leu50Arg; replaces leucine 50 with arginine.
Molecular consequence: missense variant.
Genome position (GRCh38, 1-based): chr11:95,799,335, T>G. VCF-style: chr11-95799335-T-G. GRCh37 (hg19) VCF-style: chr11-95532499-T-G.
Other names: c.122T>G, p.Leu41Arg (NM_001243776.2); c.149T>G, p.Leu50Arg (NM_001243777.2, NM_001440879.1, NM_001440881.1 and 6 more transcripts); c.68T>G, p.Leu23Arg (NM_001363604.2, NM_001440880.1, NM_001440869.1 and 4 more transcripts); short protein forms L50R, L41R, L23R.
Identifiers: ClinVar variation 4613465 (VCV004613465.1).